The following is an entry in ClinVar:

ClinVar aggregate classification (germline): Pathogenic/Likely pathogenic. Review status: criteria provided, multiple submitters, no conflicts (2 of 4 stars). 2 submissions from 2 submitters: Pathogenic (1); Likely pathogenic (1). Last evaluated 2025-09-05.

Conditions:
Cardiovascular phenotype. Identifiers: MedGen CN230736.
Hereditary cancer-predisposing syndrome. Also called: Neoplastic Syndromes, Hereditary; Hereditary Cancer Syndrome; Tumor predisposition; Hereditary neoplastic syndrome. Identifiers: Orphanet 140162, MedGen C0027672, MeSH D009386, MONDO:0015356.

Submissions (2):

Ambry Genetics
Classification: Pathogenic for Cardiovascular phenotype; Hereditary cancer-predisposing syndrome. Last evaluated: 2025-09-05. Review status: criteria provided, single submitter. Criteria: Ambry Variant Classification Scheme 2023. Collection method: clinical testing. Allele origin: germline.
Comment: The c.7886_7887delTT pathogenic mutation, located in coding exon 53 of the NF1 gene, results from a deletion of two nucleotides at nucleotide positions 7886 to 7887, causing a translational frameshift with a predicted alternate stop codon (p.F2629Sfs*9). This variant was reported in individual(s) with features consistent with neurofibromatosis type 1 (Ambry internal data). This variant is considered to be rare based on population cohorts in the Genome Aggregation Database (gnomAD). This alteration is expected to result in loss of function by premature protein truncation or nonsense-mediated mRNA decay. As such, this alteration is interpreted as a disease-causing mutation.

Athena Diagnostics
Classification: Likely pathogenic. Last evaluated: 2019-11-05. Review status: criteria provided, single submitter. Criteria: Athena Diagnostics Criteria. Collection method: clinical testing. Allele origin: unknown.
Comment: The variant results in a shift of the reading frame, and is therefore predicted to result in the loss of a functional protein. Not found in the gnomAD exomes dataset, and the data is high quality.

NM_001042492.3(NF1):c.7949_7950del (p.Phe2650fs)

Gene: NF1 (neurofibromin 1; plus strand). Cytogenetic location: 17q11.2.
Variant type: Deletion.
Coding change: c.7949_7950del on transcript NM_001042492.3 (MANE Select); coding-DNA positions 7949 to 7950, 2 bases deleted (TT; older notation c.7949_7950delTT).
Protein change: p.Phe2650fs; shifts the reading frame from phenylalanine 2650.
Molecular consequence: frameshift variant.
Genome position (GRCh38, 1-based): chr17:31,357,348-31,357,349, TT deleted; deleting any 2 consecutive bases within chr17:31,357,347-31,357,349 gives the same sequence; the c. name uses the placement nearest the transcript's 3' end. VCF-style (leftmost placement, unchanged base first): chr17-31357346-GTT-G. GRCh37 (hg19) VCF-style: chr17-29684364-GTT-G.
Other names: c.7886_7887delTT (NM_000267.3); c.7886_7887delTT, p.Phe2629Serfs (NM_000267.4); short protein forms F2629fs, F2650fs.
Identifiers: ClinVar variation 994652 (VCV000994652.2), dbSNP rs2070298779, ClinGen allele CA1139665482.